The following is an entry in ClinVar:

NC_000002.12:g.121530911C>G

Genes: RNU4ATAC (RNA, U4atac small nuclear; plus strand), CLASP1 (cytoplasmic linker associated protein 1; minus strand), CLASP1-AS1 (CLASP1 antisense RNA 1; plus strand). Cytogenetic location: 2q14.2.
Variant type: single nucleotide variant.
Molecular consequence: intron variant (on NM_001395891.1).
Genome position: GRCh38 VCF-style: chr2-121530911-C-G. GRCh37 (hg19) VCF-style: chr2-122288487-C-G.
Other names: c.196-586G>C (NM_001142274.2, NM_015282.3, NM_001378003.1 and 5 more transcripts).
Identifiers: ClinVar variation 1479222 (VCV001479222.5), dbSNP rs549457414, ClinGen allele CA428887888.

ClinVar aggregate classification (germline): Uncertain significance (1 of 4 stars; one submission).

gnomAD v4.1: 2 of 699,050 alleles (0.00029%); highest among the groups gnomAD compares: Non-Finnish European, 0.00052%; no homozygotes.

Submission:

Labcorp Genetics (formerly Invitae), Labcorp
Classification: Uncertain significance. Last evaluated: 2021-10-14. Review status: criteria provided, single submitter. Criteria: Invitae Variant Classification Sherloc (09022015). Collection method: clinical testing. Allele origin: germline.
Comment: This variant occurs in the RNU4ATAC gene, which encodes an RNA molecule that does not result in a protein product. The frequency data for this variant in the population databases is considered unreliable, as metrics indicate insufficient coverage at this position in the ExAC database. This variant has not been reported in the literature in individuals affected with RNU4ATAC-related conditions. This variant is located within the 5' stem-loop region of the RNU4ATAC RNA, which includes the 15.5K binding site and is important for spliceosome assembly (PMID: 32628740). A significant number of disease-associated RNU4ATAC variants are found in this region (PMID: 32628740, 30368667). In summary, the available evidence is currently insufficient to determine the role of this variant in disease. Therefore, it has been classified as a Variant of Uncertain Significance.

Literature cited by the submitters: PubMed 32628740; PubMed 30368667.